The following is an entry in ClinVar:

ClinVar aggregate classification (germline): Uncertain significance. Review status: criteria provided, multiple submitters, no conflicts (2 of 4 stars). 3 submissions from 3 submitters: Uncertain significance (3). Last evaluated 2025-09-05.

Conditions:
Inborn genetic diseases. Identifiers: MedGen C0950123, MeSH D030342.
Cohen syndrome (COH1). Also called: PEPPER SYNDROME; Cutis verticis gyrata, retinitis pigmentosa, and sensorineural deafness. Identifiers: Orphanet 193, MedGen C0265223, MONDO:0008999, OMIM 216550.

Allele frequency attached by ClinVar (database versions not stated): ExAC 0.00001; gnomAD 0.00001; gnomAD exomes 0.00001; TOPMed 0.00001.
gnomAD v4.1: 22 of 1,613,704 alleles (0.0014%); highest among the groups gnomAD compares: South Asian, 0.0055%; no homozygotes.

Submissions (3):

Labcorp Genetics (formerly Invitae), Labcorp
Classification: Uncertain significance for Cohen syndrome. Last evaluated: 2025-09-05. Review status: criteria provided, single submitter. Criteria: Invitae Variant Classification Sherloc (09022015). Collection method: clinical testing. Allele origin: germline.
Comment: This sequence change replaces glycine, which is neutral and non-polar, with arginine, which is basic and polar, at codon 3241 of the VPS13B protein (p.Gly3241Arg). This variant is present in population databases (rs758775003, gnomAD 0.003%). This variant has not been reported in the literature in individuals affected with VPS13B-related conditions. ClinVar contains an entry for this variant (Variation ID: 197954). Invitae Evidence Modeling of protein sequence and biophysical properties (such as structural, functional, and spatial information, amino acid conservation, physicochemical variation, residue mobility, and thermodynamic stability) has been performed for this missense variant. However, the output from this modeling did not meet the statistical confidence thresholds required to predict the impact of this variant on VPS13B protein function. In summary, the available evidence is currently insufficient to determine the role of this variant in disease. Therefore, it has been classified as a Variant of Uncertain Significance.

Ambry Genetics
Classification: Uncertain significance for Inborn genetic diseases. Last evaluated: 2025-08-02. Review status: criteria provided, single submitter. Criteria: Ambry Variant Classification Scheme 2023. Collection method: clinical testing. Allele origin: germline.

Eurofins Ntd Llc (ga)
Classification: Uncertain significance. Last evaluated: 2015-05-27. Review status: criteria provided, single submitter. Criteria: EGL Classification Definitions 2015. Collection method: clinical testing. Allele origin: germline. Observed: 1 variant allele, 1 heterozygote.

NM_152564.5(VPS13B):c.9646G>A (p.Gly3216Arg)

Gene: VPS13B (vacuolar protein sorting 13 homolog B; plus strand). Cytogenetic location: 8q22.2.
Variant type: single nucleotide variant.
Coding change: c.9646G>A on transcript NM_152564.5 (MANE Select); coding-DNA position 9646, G replaced by A.
Protein change: p.Gly3216Arg; replaces glycine 3216 with arginine.
Molecular consequence: missense variant.
Genome position (GRCh38, 1-based): chr8:99,835,228, G>A. VCF-style: chr8-99835228-G-A. GRCh37 (hg19) VCF-style: chr8-100847456-G-A.
Other names: c.9721G>A (NM_017890.3); c.9721G>A, p.Gly3241Arg (NM_017890.5); short protein forms G3216R, G3241R.
Identifiers: ClinVar variation 197954 (VCV000197954.9), dbSNP rs758775003, ClinGen allele CA246364.
Genomic context (GRCh38, chr8:99,835,228, plus strand): 5'-TTCTGTCATTTGACTTGATTCTCTTCCAGGGCTATAGTGCTGACATATCAAGAACACCTC[G>A]GAGTGACTTATTTAACCCTCTCAGAAGACCCTAGTCCTCGAGTAATTATCCACAATAGAT-3'
Protein context (NP_689777.3, residues 3206-3226): AIVLTYQEHL[Gly3216Arg]VTYLTLSEDP